The following is an entry in ClinVar:

NM_000051.4(ATM):c.632A>T (p.Asp211Val)

Gene: ATM (ATM serine/threonine kinase; plus strand). Cytogenetic location: 11q22.3.
Variant type: single nucleotide variant.
Coding change: c.632A>T on transcript NM_000051.4 (MANE Select); coding-DNA position 632, A replaced by T.
Protein change: p.Asp211Val; replaces aspartic acid 211 with valine.
Molecular consequence: missense variant.
Genome position (GRCh38, 1-based): chr11:108,244,088, A>T. VCF-style: chr11-108244088-A-T. GRCh37 (hg19) VCF-style: chr11-108114815-A-T.
Other names: c.632A>T, p.Asp211Val (NM_001351834.2); short protein forms D211V.
Identifiers: ClinVar variation 628624 (VCV000628624.5), dbSNP rs1387925127, ClinGen allele CA382528374.

ClinVar aggregate classification (germline): Uncertain significance (1 of 4 stars; one submission).

Conditions:
Hereditary cancer-predisposing syndrome. Also called: Neoplastic Syndromes, Hereditary; Tumor predisposition; Hereditary neoplastic syndrome; Hereditary Cancer Syndrome. Identifiers: Orphanet 140162, MedGen C0027672, MeSH D009386, MONDO:0015356.

Allele frequency attached by ClinVar (database versions not stated): gnomAD exomes below 0.00001.
gnomAD v4.1: 1 of 1,613,802 alleles (0.000062%); highest among the groups gnomAD compares: Admixed American, 0.0017%; no homozygotes.

Submission:

Color Diagnostics, LLC DBA Color Health
Classification: Uncertain significance for Hereditary cancer-predisposing syndrome. Last evaluated: 2023-12-05. Review status: criteria provided, single submitter. Criteria: ACMG Guidelines, 2015. Collection method: clinical testing. Allele origin: germline.
Comment: This missense variant replaces aspartic acid with valine at codon 211 of the ATM protein. Computational prediction suggests that this variant may not impact protein structure and function (internally defined REVEL score threshold <= 0.5, PMID: 27666373). To our knowledge, functional studies have not been reported for this variant. This variant has not been reported in individuals affected with ATM-related disorders in the literature. This variant has been identified in 1/251208 chromosomes in the general population by the Genome Aggregation Database (gnomAD). The available evidence is insufficient to determine the role of this variant in disease conclusively. Therefore, this variant is classified as a Variant of Uncertain Significance.